The following is an entry in ClinVar:

NM_005869.4(CWC27):c.721C>T (p.His241Tyr)

Gene: CWC27 (CWC27 spliceosome associated cyclophilin; plus strand). Cytogenetic location: 5q12.3.
Variant type: single nucleotide variant.
Coding change: c.721C>T on transcript NM_005869.4 (MANE Select); coding-DNA position 721, C replaced by T.
Protein change: p.His241Tyr; replaces histidine 241 with tyrosine.
Molecular consequence: missense variant.
Genome position (GRCh38, 1-based): chr5:64,800,299, C>T. VCF-style: chr5-64800299-C-T. GRCh37 (hg19) VCF-style: chr5-64096126-C-T.
Other names: c.721C>T, p.His241Tyr (NM_001297644.1, NM_001297645.2, NM_001318000.2 and 1 more transcripts); short protein forms H241Y.
Identifiers: ClinVar variation 1053911 (VCV001053911.9), dbSNP rs774608229, ClinGen allele CA3282060.

ClinVar aggregate classification (germline): Uncertain significance (1 of 4 stars; one submission).

Allele frequency attached by ClinVar (database versions not stated): gnomAD exomes below 0.00001 and 0.00002; TOPMed below 0.00001; ExAC 0.00002.

Submission:

Labcorp Genetics (formerly Invitae), Labcorp
Classification: Uncertain significance. Last evaluated: 2023-07-03. Review status: criteria provided, single submitter. Criteria: Invitae Variant Classification Sherloc (09022015). Collection method: clinical testing. Allele origin: germline.
Comment: In summary, the available evidence is currently insufficient to determine the role of this variant in disease. Therefore, it has been classified as a Variant of Uncertain Significance. An algorithm developed to predict the effect of missense changes on protein structure and function (PolyPhen-2) suggests that this variant is likely to be tolerated. ClinVar contains an entry for this variant (Variation ID: 1053911). This variant has not been reported in the literature in individuals affected with CWC27-related conditions. This variant is present in population databases (rs774608229, gnomAD 0.01%). This sequence change replaces histidine, which is basic and polar, with tyrosine, which is neutral and polar, at codon 241 of the CWC27 protein (p.His241Tyr).